The following is an entry in ClinVar:

NM_002979.5(SCP2):c.1081+4_1081+5del

Gene: SCP2 (sterol carrier protein 2; plus strand). Cytogenetic location: 1p32.3.
Variant type: Deletion.
Coding change: c.1081+4_1081+5del on transcript NM_002979.5 (MANE Select); bases 4 to 5 of the intron after coding-DNA position 1081, 2 bases deleted (AT; older notation c.1081+4_1081+5delAT).
Molecular consequence: intron variant.
Genome position (GRCh38, 1-based): chr1:52,988,140-52,988,141, AT deleted. VCF-style (leftmost placement, unchanged base first): chr1-52988139-AAT-A. GRCh37 (hg19) VCF-style: chr1-53453811-AAT-A.
Other names: c.949+4_949+5del (NM_001193600.2, NM_001007098.3); c.1009+4_1009+5del (NM_001193599.2); c.838+4_838+5del (NM_001193617.2); c.1081+4_1081+5del (NM_001330587.2).
Identifiers: ClinVar variation 1503659 (VCV001503659.6), dbSNP rs1659161819, ClinGen allele CA1167122679.

ClinVar aggregate classification (germline): Uncertain significance (1 of 4 stars; one submission).

Allele frequency attached by ClinVar (database versions not stated): TOPMed below 0.00001.

Submission:

Labcorp Genetics (formerly Invitae), Labcorp
Classification: Uncertain significance. Last evaluated: 2022-02-09. Review status: criteria provided, single submitter. Criteria: Invitae Variant Classification Sherloc (09022015). Collection method: clinical testing. Allele origin: germline.
Comment: In summary, the available evidence is currently insufficient to determine the role of this variant in disease. Therefore, it has been classified as a Variant of Uncertain Significance. Variants that disrupt the consensus splice site are a relatively common cause of aberrant splicing (PMID: 17576681, 9536098). Algorithms developed to predict the effect of sequence changes on RNA splicing suggest that this variant may disrupt the consensus splice site. This variant has not been reported in the literature in individuals affected with SCP2-related conditions. This variant is not present in population databases (gnomAD no frequency). This sequence change falls in intron 11 of the SCP2 gene. It does not directly change the encoded amino acid sequence of the SCP2 protein. It affects a nucleotide within the consensus splice site.

Literature cited by the submitters: PubMed 17576681; PubMed 9536098.